The following is an entry in ClinVar:

NM_001243133.2(NLRP3):c.2608G>A (p.Val870Ile)

Gene: NLRP3 (NLR family pyrin domain containing 3; plus strand). Cytogenetic location: 1q44.
Variant type: single nucleotide variant.
Coding change: c.2608G>A on transcript NM_001243133.2 (MANE Select); coding-DNA position 2608, G replaced by A.
Protein change: p.Val870Ile; replaces valine 870 with isoleucine.
Molecular consequence: missense variant. On other transcripts: genic downstream transcript variant (2).
Genome position (GRCh38, 1-based): chr1:247,436,085, G>A. VCF-style: chr1-247436085-G-A. GRCh37 (hg19) VCF-style: chr1-247599387-G-A.
Other names: c.2608G>A, p.Val870Ile (NM_001079821.3); c.2437G>A, p.Val813Ile (NM_001127462.3); c.2614G>A, p.Val872Ile (NM_004895.5); c.2492+1812G>A (NM_001127461.3); c.2321+1812G>A (NM_183395.3); short protein forms V813I, V870I, V872I.
Identifiers: ClinVar variation 3032330 (VCV003032330.2), dbSNP rs200259151, ClinGen allele CA40705970.

ClinVar aggregate classification (germline): Uncertain significance (0 of 4 stars; one submission).

Conditions:
NLRP3-related disorder. Also called: NLRP3-Related Disorders; NLRP3-related condition.

Allele frequency attached by ClinVar (database versions not stated): TOPMed below 0.00001; gnomAD 0.00001.

Submission:

PreventionGenetics, part of Exact Sciences
Classification: Uncertain significance for NLRP3-related condition. Last evaluated: 2023-12-05. Review status: no assertion criteria provided. Collection method: clinical testing. Allele origin: germline.
Comment: The NLRP3 c.2614G>A variant is predicted to result in the amino acid substitution p.Val872Ile. To our knowledge, this variant has not been reported in the literature. This variant is reported in 0.0033% of alleles in individuals of South Asian descent in gnomAD. At this time, the clinical significance of this variant is uncertain due to the absence of conclusive functional and genetic evidence.